The following is an entry in ClinVar:

NM_014956.5(CEP164):c.3724C>T (p.Arg1242Cys)

Gene: CEP164 (centrosomal protein 164; plus strand). Cytogenetic location: 11q23.3.
Variant type: single nucleotide variant.
Coding change: c.3724C>T on transcript NM_014956.5 (MANE Select); coding-DNA position 3724, C replaced by T.
Protein change: p.Arg1242Cys; replaces arginine 1242 with cysteine.
Molecular consequence: missense variant.
Genome position (GRCh38, 1-based): chr11:117,409,004, C>T. VCF-style: chr11-117409004-C-T. GRCh37 (hg19) VCF-style: chr11-117279720-C-T.
Other names: c.3436C>T, p.Leu1146Phe (NM_001440983.1); c.3367C>T, p.Arg1123Cys (NM_001440984.1); c.3349C>T, p.Arg1117Cys (NM_001440987.1); c.3364C>T, p.Leu1122Phe (NM_001440990.1); c.3289C>T, p.Arg1097Cys (NM_001440992.1); c.3733C>T, p.Leu1245Phe (NM_001271933.2); c.3730C>T, p.Arg1244Cys (NM_001440949.1); c.3724C>T, p.Arg1242Cys (NM_001440950.1, NM_001440951.1); and 21 more; short protein forms L1122F, L1146F, L1166F, L1167F, L1172F, L1189F, L1192F, L1193F.
Identifiers: ClinVar variation 4888166 (VCV004888166.1).

ClinVar aggregate classification (germline): Uncertain significance (1 of 4 stars; one submission).

gnomAD v4.1: 23 of 1,614,000 alleles (0.0014%); highest among the groups gnomAD compares: Middle Eastern, 0.017%; no homozygotes.

Submission:

GeneDx
Classification: Uncertain significance. Last evaluated: 2026-01-28. Review status: criteria provided, single submitter. Criteria: GeneDx Variant Classification Process June 2021. Collection method: clinical testing. Allele origin: germline.
Comment: Reported in a cohort of patients with syndromic or non-syndromic blindness in the literature (PMID: 32483926); however, proband clinical information not provided; In silico analysis suggests that this missense variant does not alter protein structure/function; This variant is associated with the following publications: (PMID: 32483926)